The following is an entry in ClinVar:

NM_001256071.3(RNF213):c.11625G>C (p.Leu3875=)

Genes: RNF213 (ring finger protein 213; plus strand), RNF213-AS1 (RNF213 antisense RNA 1; minus strand). Cytogenetic location: 17q25.3.
Variant type: single nucleotide variant.
Coding change: c.11625G>C on transcript NM_001256071.3 (MANE Select); coding-DNA position 11625, G replaced by C.
Protein change: p.Leu3875=; no amino-acid change (leucine 3875 retained).
Molecular consequence: synonymous variant.
Genome position (GRCh38, 1-based): chr17:80,363,665, G>C. VCF-style: chr17-80363665-G-C. GRCh37 (hg19) VCF-style: chr17-78337465-G-C.
Identifiers: ClinVar variation 731335 (VCV000731335.7), dbSNP rs186220836, ClinGen allele CA8821885.

ClinVar aggregate classification (germline): Likely benign. Review status: criteria provided, multiple submitters, no conflicts (2 of 4 stars). 4 submissions from 4 submitters: Likely benign (3). 1 of the submissions does not count toward it. Last evaluated 2026-08-01.

Conditions:
RNF213-related disorder. Also called: RNF213-related condition.

Allele frequency attached by ClinVar (database versions not stated): gnomAD exomes 0.00002 and 0.00012; gnomAD 0.00003 and 0.00004; TOPMed 0.00003; ExAC 0.00007; 1000 Genomes Project 0.00060; 1000 Genomes Project 30x 0.00062.
gnomAD v4.1: 41 of 1,614,138 alleles (0.0025%); highest among the groups gnomAD compares: Admixed American, 0.053%; no homozygotes.

Submissions (4):

CeGaT Center for Human Genetics Tuebingen
Classification: Likely benign. Last evaluated: 2026-08-01. Review status: criteria provided, single submitter. Criteria: CeGaT Center For Human Genetics Tuebingen Variant Classification Criteria Version 2. Collection method: clinical testing. Allele origin: germline. Affected: yes. Observed: 1 variant allele.
Comment: RNF213: BP4, BP7

Blueprint Genetics
Classification: Likely benign. Last evaluated: 2022-06-03. Review status: criteria provided, single submitter. Criteria: ACMG Guidelines, 2015. Collection method: clinical testing. Allele origin: germline.

Labcorp Genetics (formerly Invitae), Labcorp
Classification: Likely benign. Last evaluated: 2017-12-05. Review status: criteria provided, single submitter. Criteria: Invitae Variant Classification Sherloc (09022015). Collection method: clinical testing. Allele origin: germline.

PreventionGenetics, part of Exact Sciences
Classification: Likely benign for RNF213-related condition. Last evaluated: 2019-03-15. Review status: no assertion criteria provided. Collection method: clinical testing. Allele origin: germline. Not counted in ClinVar's aggregate classification.
Comment: This variant is classified as likely benign based on ACMG/AMP sequence variant interpretation guidelines (Richards et al. 2015 PMID: 25741868, with internal and published modifications).